The following is an entry in ClinVar:

ClinVar aggregate classification (germline): Uncertain significance (1 of 4 stars; one submission).

Allele frequency attached by ClinVar (database versions not stated): gnomAD exomes below 0.00001.
gnomAD v4.1: 1 of 1,601,512 alleles (0.000062%); highest among the groups gnomAD compares: East Asian, 0.0022%; no homozygotes.

Submission:

GeneDx
Classification: Uncertain significance. Last evaluated: 2014-10-28. Review status: criteria provided, single submitter. Criteria: GeneDx Variant Classification (06012015). Collection method: clinical testing. Allele origin: germline. Affected: yes.
Comment: p.Pro381Ser (CCC>TCC): c.1141 C>T in exon 8 of the CACNA1C gene (NM_000719.6). However, functional studies did not show any difference in calcium channel characteristics between P381S and wild type (Fukuyama et al., 2014). Additionally, missense mutations in nearby residues have not been reported, indicating this region of the protein may be tolerant of change. Nevertheless, the P381S variant is a non-conservative amino acid substitution, which is likely to impact secondary protein structure as these residues differ in polarity, charge, size and/or other properties. This substitution occurs at a position that is conserved across species. In silico analysis predicts this variant is probably damaging to the protein structure/function. Furthermore, the P381S variant was not observed in approximately 6,100 individuals of European and African American ancestry in the NHLBI Exome Sequencing Project, indicating it is not a common benign variant in these populations. Therefore, based on the currently available information, it is unclear whether this variant is a pathogenic mutation or a rare benign variant. The variant is found in LQT panel(s).

NM_000719.7(CACNA1C):c.1141C>T (p.Pro381Ser)

Gene: CACNA1C (calcium voltage-gated channel subunit alpha1 C; plus strand). Cytogenetic location: 12p13.33.
Variant type: single nucleotide variant.
Coding change: c.1141C>T on transcript NM_000719.7 (MANE Select); coding-DNA position 1141, C replaced by T.
Protein change: p.Pro381Ser; replaces proline 381 with serine.
Molecular consequence: missense variant. On other transcripts: intron variant (4).
Genome position (GRCh38, 1-based): chr12:2,504,869, C>T. VCF-style: chr12-2504869-C-T. GRCh37 (hg19) VCF-style: chr12-2614035-C-T.
Other names: p.P381S:CCC>TCC; c.1141C>T, p.Pro381Ser (NM_001129827.2, NM_001129829.2, NM_001129830.3 and 14 more transcripts); c.1132C>T, p.Pro378Ser (NM_001129844.2); c.1217+330C>T (NM_001167624.3, NM_001167623.2, NM_001167625.2 and 1 more transcripts); short protein forms P381S, P378S.
Identifiers: ClinVar variation 190696 (VCV000190696.2), dbSNP rs786205775, ClinGen allele CA301697.
Genomic context (GRCh38, chr12:2,504,869, plus strand): 5'-TGTGCCTCACTAACTATCATTCCGTTCTTCCAGGTCAATGATGCCGTAGGAAGGGACTGG[C>T]CCTGGATCTATTTTGTTACACTAATCATCATAGGGTCATTTTTTGTACTTAACTTGGTTC-3'
Protein context (NP_000710.5, residues 371-391): WVNDAVGRDW[Pro381Ser]WIYFVTLIII